The following is an entry in ClinVar:

NM_033317.5(DMKN):c.756G>A (p.Ser252=)

Gene: DMKN (dermokine; minus strand). Cytogenetic location: 19q13.12.
Variant type: single nucleotide variant.
Coding change: c.756G>A on transcript NM_033317.5 (MANE Select); coding-DNA position 756, G replaced by A.
Protein change: p.Ser252=; no amino-acid change (serine 252 retained).
Molecular consequence: synonymous variant. On other transcripts: intron variant (2).
Genome position (GRCh38, 1-based): chr19:35,511,573, C>T on the plus strand (G>A on the coding strand, the complement: DMKN is on the minus strand). VCF-style: chr19-35511573-C-T. GRCh37 (hg19) VCF-style: chr19-36002475-C-T.
Other names: c.756G>A, p.Ser252= (NM_001126057.3, NM_001126058.3, NM_001190348.2 and 1 more transcripts); c.735+190G>A (NM_001190347.2, NM_001126056.3).
Identifiers: ClinVar variation 4084017 (VCV004084017.8).

ClinVar aggregate classification (germline): Likely benign (1 of 4 stars; one submission).

Submission:

CeGaT Center for Human Genetics Tuebingen
Classification: Likely benign. Last evaluated: 2025-06-01. Review status: criteria provided, single submitter. Criteria: CeGaT Center For Human Genetics Tuebingen Variant Classification Criteria Version 2. Collection method: clinical testing. Allele origin: germline. Affected: yes. Observed: 1 variant allele.
Comment: DMKN: BP4, BP7